The following is an entry in ClinVar:

NM_001393586.1(MYO7B):c.2461C>T (p.Arg821Trp)

Gene: MYO7B (myosin VIIB; plus strand). Cytogenetic location: 2q14.3.
Variant type: single nucleotide variant.
Coding change: c.2461C>T on transcript NM_001393586.1 (MANE Select); coding-DNA position 2461, C replaced by T.
Protein change: p.Arg821Trp; replaces arginine 821 with tryptophan.
Molecular consequence: missense variant.
Genome position (GRCh38, 1-based): chr2:127,607,242, C>T. VCF-style: chr2-127607242-C-T. GRCh37 (hg19) VCF-style: chr2-128364817-C-T.
Other names: c.2461C>T, p.Arg821Trp (NM_001080527.2); short protein forms R821W.
Identifiers: ClinVar variation 3042338 (VCV003042338.3), dbSNP rs187068100, ClinGen allele CA1861138.
Genomic context (GRCh38, chr2:127,607,242, plus strand): 5'-CTCACCTCTCTCTTGCCTCCGCAGATCCTCGTGGGCTTTGAGCGCCTGCAGGCTATTGCC[C>T]GGAGCCAGCCGCTGGCGAGGCAGTACCAGGCCATGCGGCAGAGGACAGTCCAGCTGCAGG-3'
Protein context (NP_001380515.1, residues 811-831): VGFERLQAIA[Arg821Trp]SQPLARQYQA

ClinVar aggregate classification (germline): Uncertain significance. Review status: criteria provided, single submitter (1 of 4 stars). 2 submissions from 2 submitters: Uncertain significance (1). 1 of the submissions does not count toward it. Last evaluated 2025-08-03.

Conditions:
MYO7B-related disorder. Also called: MYO7B-related condition.

Allele frequency attached by ClinVar (database versions not stated): ExAC 0.00116; ESP Exome Variant Server 0.00153; gnomAD 0.00260; 1000 Genomes Project 0.00280; 1000 Genomes Project 30x 0.00297; TOPMed 0.00307.

Submissions (2):

Ambry Genetics
Classification: Uncertain significance. Last evaluated: 2025-08-03. Review status: criteria provided, single submitter. Criteria: Ambry Variant Classification Scheme 2023. Collection method: clinical testing. Allele origin: germline.

PreventionGenetics, part of Exact Sciences
Classification: Likely benign for MYO7B-related condition. Last evaluated: 2019-03-25. Review status: no assertion criteria provided. Collection method: clinical testing. Allele origin: germline. Not counted in ClinVar's aggregate classification.
Comment: This variant is classified as likely benign based on ACMG/AMP sequence variant interpretation guidelines (Richards et al. 2015 PMID: 25741868, with internal and published modifications).